The following is an entry in ClinVar:

ClinVar aggregate classification (germline): Uncertain significance (1 of 4 stars; one submission).

gnomAD v4.1: 17 of 1,597,966 alleles (0.0011%); highest among the groups gnomAD compares: Non-Finnish European, 0.0012%; no homozygotes.

Submission:

GeneDx
Classification: Uncertain significance. Last evaluated: 2026-03-12. Review status: criteria provided, single submitter. Criteria: GeneDx Variant Classification Process June 2021. Collection method: clinical testing. Allele origin: germline.
Comment: Not observed at significant frequency in large population cohorts (gnomAD); In silico analysis suggests that this missense variant does not alter protein structure/function; Has not been previously published as pathogenic or benign to our knowledge

NM_003737.4(DCHS1):c.8173G>A (p.Val2725Met)

Gene: DCHS1 (dachsous cadherin-related 1; minus strand). Cytogenetic location: 11p15.4.
Variant type: single nucleotide variant.
Coding change: c.8173G>A on transcript NM_003737.4 (MANE Select); coding-DNA position 8173, G replaced by A.
Protein change: p.Val2725Met; replaces valine 2725 with methionine.
Molecular consequence: missense variant.
Genome position (GRCh38, 1-based): chr11:6,623,503, C>T on the plus strand (G>A on the coding strand, the complement: DCHS1 is on the minus strand). VCF-style: chr11-6623503-C-T. GRCh37 (hg19) VCF-style: chr11-6644734-C-T.
Other names: short protein forms V2725M.
Identifiers: ClinVar variation 5009030 (VCV005009030.1).